The following is an entry in ClinVar:

ClinVar aggregate classification (germline): Uncertain significance. Review status: criteria provided, multiple submitters, no conflicts (2 of 4 stars). 2 submissions from 2 submitters: Uncertain significance (2). Last evaluated 2024-07-31.

Allele frequency attached by ClinVar (database versions not stated): ExAC 0.00005; ESP Exome Variant Server 0.00008.
gnomAD v4.1: 34 of 1,553,978 alleles (0.0022%); highest among the groups gnomAD compares: East Asian, 0.0024%; no homozygotes.

Submissions (2):

Labcorp Genetics (formerly Invitae), Labcorp
Classification: Uncertain significance. Last evaluated: 2024-07-31. Review status: criteria provided, single submitter. Criteria: Invitae Variant Classification Sherloc (09022015). Collection method: clinical testing. Allele origin: germline.
Comment: This sequence change affects codon 893 of the COL2A1 mRNA. It is a 'silent' change, meaning that it does not change the encoded amino acid sequence of the COL2A1 protein. This variant also falls at the last nucleotide of exon 40, which is part of the consensus splice site for this exon. The frequency data for this variant in the population databases is considered unreliable, as metrics indicate poor data quality at this position in the gnomAD database. This variant has not been reported in the literature in individuals affected with COL2A1-related conditions. ClinVar contains an entry for this variant (Variation ID: 1427480). Variants that disrupt the consensus splice site are a relatively common cause of aberrant splicing (PMID: 17576681, 9536098). Algorithms developed to predict the effect of sequence changes on RNA splicing suggest that this variant may disrupt the consensus splice site. In summary, the available evidence is currently insufficient to determine the role of this variant in disease. Therefore, it has been classified as a Variant of Uncertain Significance.

Blueprint Genetics
Classification: Uncertain significance. Last evaluated: 2023-01-02. Review status: criteria provided, single submitter. Criteria: ACMG Guidelines, 2015. Collection method: clinical testing. Allele origin: germline.

Literature cited by the submitters: PubMed 17576681 (cited by Labcorp Genetics (formerly Invitae), Labcorp); PubMed 9536098 (cited by Labcorp Genetics (formerly Invitae), Labcorp).

NM_001844.5(COL2A1):c.2679G>A (p.Pro893=)

Gene: COL2A1 (collagen type II alpha 1 chain; minus strand). Cytogenetic location: 12q13.11.
Variant type: single nucleotide variant.
Coding change: c.2679G>A on transcript NM_001844.5 (MANE Select); coding-DNA position 2679, G replaced by A.
Protein change: p.Pro893=; no amino-acid change (proline 893 retained).
Molecular consequence: synonymous variant.
Genome position (GRCh38, 1-based): chr12:47,980,009, C>T on the plus strand (G>A on the coding strand, the complement: COL2A1 is on the minus strand). VCF-style: chr12-47980009-C-T. GRCh37 (hg19) VCF-style: chr12-48373792-C-T.
Other names: c.2472G>A, p.Pro824= (NM_033150.3).
Identifiers: ClinVar variation 1427480 (VCV001427480.7), dbSNP rs369684691, ClinGen allele CA6535032.